The following is an entry in ClinVar:

NM_003640.5(ELP1):c.2015_2016insTAA (p.Thr672_Leu673insLys)

Gene: ELP1 (elongator acetyltransferase complex subunit 1; minus strand). Cytogenetic location: 9q31.3.
Variant type: Insertion.
Coding change: c.2015_2016insTAA on transcript NM_003640.5 (MANE Select); coding-DNA positions 2015 to 2016, TAA inserted.
Protein change: p.Thr672_Leu673insLys.
Molecular consequence: inframe insertion.
Genome position: GRCh38 VCF-style: chr9-108900374-T-TTTA. GRCh37 (hg19) VCF-style: chr9-111662654-T-TTTA.
Other names: c.1673_1674insTAA, p.Thr558_Leu559insLys (NM_001318360.2); c.968_969insTAA, p.Thr323_Leu324insLys (NM_001330749.2).
Identifiers: ClinVar variation 3615592 (VCV003615592.2).

ClinVar aggregate classification (germline): Uncertain significance (1 of 4 stars; one submission).

Submission:

Labcorp Genetics (formerly Invitae), Labcorp
Classification: Uncertain significance. Last evaluated: 2024-11-13. Review status: criteria provided, single submitter. Criteria: Invitae Variant Classification Sherloc (09022015). Collection method: clinical testing. Allele origin: germline.
Comment: This variant, c.2015_2016insTAA, is a complex sequence change that results in the deletion of 2 and insertion of 1 amino acid(s) in the ELP1 protein (p.Thr672_Leu673insLys). This variant is present in population databases (rs763626744, gnomAD 0.008%). This variant has not been reported in the literature in individuals affected with ELP1-related conditions. Experimental studies and prediction algorithms are not available or were not evaluated, and the functional significance of this variant is currently unknown. In summary, the available evidence is currently insufficient to determine the role of this variant in disease. Therefore, it has been classified as a Variant of Uncertain Significance.